The following is an entry in ClinVar:

ClinVar aggregate classification (germline): Conflicting classifications of pathogenicity. Review status: criteria provided, conflicting classifications (1 of 4 stars). 2 submissions from 2 submitters: Uncertain significance (1); Likely benign (1). Last evaluated 2024-10-20.

Conditions:
SYNM-related disorder. Also called: SYNM-related condition.

Submissions (2):

Ambry Genetics
Classification: Uncertain significance. Last evaluated: 2024-10-20. Review status: criteria provided, single submitter. Criteria: Ambry Variant Classification Scheme 2023. Collection method: clinical testing. Allele origin: germline.

PreventionGenetics, part of Exact Sciences
Classification: Likely benign for SYNM-related condition. Last evaluated: 2019-05-06. Review status: criteria provided, single submitter. Criteria: ACMG Guidelines, 2015. Collection method: clinical testing. Allele origin: germline.
Comment: This variant is classified as likely benign based on ACMG/AMP sequence variant interpretation guidelines (Richards et al. 2015 PMID: 25741868, with internal and published modifications).

NM_145728.3(SYNM):c.3533C>T (p.Pro1178Leu)

Gene: SYNM (synemin; plus strand). Cytogenetic location: 15q26.3.
Variant type: single nucleotide variant.
Coding change: c.3533C>T on transcript NM_145728.3 (MANE Select); coding-DNA position 3533, C replaced by T.
Protein change: p.Pro1178Leu; replaces proline 1178 with leucine.
Molecular consequence: missense variant. On other transcripts: intron variant (1).
Genome position (GRCh38, 1-based): chr15:99,131,893, C>T. VCF-style: chr15-99131893-C-T. GRCh37 (hg19) VCF-style: chr15-99672098-C-T.
Other names: c.3453+80C>T (NM_015286.6); short protein forms P1178L.
Identifiers: ClinVar variation 3051659 (VCV003051659.2), dbSNP rs1555485994, ClinGen allele CA393670305.